The following is an entry in ClinVar:

NM_000066.4(C8B):c.1559G>A (p.Arg520His)

Gene: C8B (complement C8 beta chain; minus strand). Cytogenetic location: 1p32.2.
Variant type: single nucleotide variant.
Coding change: c.1559G>A on transcript NM_000066.4 (MANE Select); coding-DNA position 1559, G replaced by A.
Protein change: p.Arg520His; replaces arginine 520 with histidine.
Molecular consequence: missense variant.
Genome position (GRCh38, 1-based): chr1:56,931,872, C>T on the plus strand (G>A on the coding strand, the complement: C8B is on the minus strand). VCF-style: chr1-56931872-C-T. GRCh37 (hg19) VCF-style: chr1-57397545-C-T.
Other names: c.1403G>A, p.Arg468His (NM_001278543.2); c.1373G>A, p.Arg458His (NM_001278544.2); short protein forms R458H, R468H, R520H.
Identifiers: ClinVar variation 1362044 (VCV001362044.5), dbSNP rs779852251, ClinGen allele CA875596.

ClinVar aggregate classification (germline): Uncertain significance (1 of 4 stars; one submission).

Allele frequency attached by ClinVar (database versions not stated): ExAC 0.00002; TOPMed 0.00002.
gnomAD v4.1: 23 of 1,611,270 alleles (0.0014%); highest among the groups gnomAD compares: East Asian, 0.011%; no homozygotes.

Submission:

Labcorp Genetics (formerly Invitae), Labcorp
Classification: Uncertain significance. Last evaluated: 2022-06-08. Review status: criteria provided, single submitter. Criteria: Invitae Variant Classification Sherloc (09022015). Collection method: clinical testing. Allele origin: germline.
Comment: This sequence change replaces arginine, which is basic and polar, with histidine, which is basic and polar, at codon 520 of the C8B protein (p.Arg520His). This variant is present in population databases (rs779852251, gnomAD 0.01%). This variant has not been reported in the literature in individuals affected with C8B-related conditions. Algorithms developed to predict the effect of missense changes on protein structure and function output the following: SIFT: "Tolerated"; PolyPhen-2: "Benign"; Align-GVGD: "Class C0". The histidine amino acid residue is found in multiple mammalian species, which suggests that this missense change does not adversely affect protein function. In summary, the available evidence is currently insufficient to determine the role of this variant in disease. Therefore, it has been classified as a Variant of Uncertain Significance.